The following is an entry in ClinVar:

ClinVar aggregate classification (germline): Conflicting classifications of pathogenicity. Review status: criteria provided, conflicting classifications (1 of 4 stars). 5 submissions from 5 submitters: Pathogenic (1); Likely pathogenic (1); Uncertain significance (1). 2 of the submissions do not count toward it. Last evaluated 2024-10-07.

Conditions:
MCCC2-related disorder. Also called: MCCC2-related condition.
3-methylcrotonyl-CoA carboxylase 2 deficiency. Also called: 3 alpha methylcrotonyl-CoA carboxylase 2 deficiency; 3 alpha methylcrotonylglycinuria 2; MCC 2 deficiency; Methylcrotonylglycinuria type 2; METHYLCROTONYLGLYCINURIA, TYPE II. Identifiers: Orphanet 6, MedGen C1859499, MONDO:0008862, OMIM 210210.

Allele frequency attached by ClinVar (database versions not stated): TOPMed 0.00002; gnomAD 0.00001; gnomAD exomes 0.00001.
gnomAD v4.1: 13 of 1,614,018 alleles (0.00081%); highest among the groups gnomAD compares: Admixed American, 0.0033%; no homozygotes.

Submissions (5):

Labcorp Genetics (formerly Invitae), Labcorp
Classification: Pathogenic for 3-methylcrotonyl-CoA carboxylase 2 deficiency. Last evaluated: 2024-10-07. Review status: criteria provided, single submitter. Criteria: Invitae Variant Classification Sherloc (09022015). Collection method: clinical testing. Allele origin: germline.
Comment: This sequence change replaces alanine, which is neutral and non-polar, with threonine, which is neutral and polar, at codon 160 of the MCCC2 protein (p.Ala160Thr). This variant is present in population databases (rs727504009, gnomAD 0.003%). This missense change has been observed in individual(s) with 3-methylcrotonyl-CoA carboxylase (3MCC) deficiency (PMID: 32778825; internal data). In at least one individual the data is consistent with being in trans (on the opposite chromosome) from a pathogenic variant. ClinVar contains an entry for this variant (Variation ID: 167277). Invitae Evidence Modeling of protein sequence and biophysical properties (such as structural, functional, and spatial information, amino acid conservation, physicochemical variation, residue mobility, and thermodynamic stability) indicates that this missense variant is expected to disrupt MCCC2 protein function with a positive predictive value of 80%. For these reasons, this variant has been classified as Pathogenic.

Eurofins Ntd Llc (ga)
Classification: Uncertain significance. Last evaluated: 2014-03-03. Review status: criteria provided, single submitter. Criteria: EGL Classification Definitions 2015. Collection method: clinical testing. Allele origin: germline. Observed: 2 variant alleles, 2 heterozygotes.

Kariminejad - Najmabadi Pathology & Genetics Center
Classification: Likely pathogenic for 3-methylcrotonyl-CoA carboxylase 2 deficiency. Review status: criteria provided, single submitter. Criteria: ACMG Guidelines, 2015. Collection method: clinical testing. Allele origin: germline. Affected: no.

PreventionGenetics, part of Exact Sciences
Classification: Uncertain significance for MCCC2-related condition. Last evaluated: 2024-07-04. Review status: no assertion criteria provided. Collection method: clinical testing. Allele origin: germline. Not counted in ClinVar's aggregate classification.
Comment: The MCCC2 c.478G>A variant is predicted to result in the amino acid substitution p.Ala160Thr. This variant was reported in a newborn screening for inborn errors of metabolism; however, clinical information was not provided (Table S5, Adhikari et al. 2020. PubMed ID: 32778825). This variant is reported in 0.0029% of alleles in individuals of Latino descent in gnomAD. A different missense variant (c.479C>A, Ala160Asp) has been reported, along with another variant of uncertain significance, in a patient with elevated C5-OH by newborn screening suggestive of 3-methylcrotonyl-CoA carboxylase deficiency with mild elevation of 3-methylcrotonylglycine and normal 3-hydroxyisovaleric acid (Cheng et al. 2023. PubMed ID: 36822454). Although we suspect this variant may be pathogenic, at this time, the clinical significance of the c.478G>A variant is uncertain due to the absence of conclusive functional and genetic evidence.

Natera, Inc.
Classification: Uncertain significance for 3-methylcrotonyl-CoA carboxylase 2 deficiency. Last evaluated: 2020-03-10. Review status: no assertion criteria provided. Collection method: clinical testing. Allele origin: germline. Not counted in ClinVar's aggregate classification.

Literature cited by the submitters: PubMed 32778825 (cited by Labcorp Genetics (formerly Invitae), Labcorp).

NM_022132.5(MCCC2):c.478G>A (p.Ala160Thr)

Gene: MCCC2 (methylcrotonyl-CoA carboxylase subunit 2; plus strand). Cytogenetic location: 5q13.2.
Variant type: single nucleotide variant.
Coding change: c.478G>A on transcript NM_022132.5 (MANE Select); coding-DNA position 478, G replaced by A.
Protein change: p.Ala160Thr; replaces alanine 160 with threonine.
Molecular consequence: missense variant.
Genome position (GRCh38, 1-based): chr5:71,602,600, G>A. VCF-style: chr5-71602600-G-A. GRCh37 (hg19) VCF-style: chr5-70898427-G-A.
Other names: c.478G>A, p.Ala160Thr (NM_001363147.1); short protein forms A160T.
Identifiers: ClinVar variation 167277 (VCV000167277.15), dbSNP rs727504009, ClinGen allele CA234247.